The following is an entry in ClinVar:

ClinVar aggregate classification (germline): Uncertain significance. Review status: criteria provided, multiple submitters, no conflicts (2 of 4 stars). 2 submissions from 2 submitters: Uncertain significance (2). Last evaluated 2025-01-06.

Submissions (2):

Labcorp Genetics (formerly Invitae), Labcorp
Classification: Uncertain significance. Last evaluated: 2025-01-06. Review status: criteria provided, single submitter. Criteria: Invitae Variant Classification Sherloc (09022015). Collection method: clinical testing. Allele origin: germline.
Comment: This sequence change replaces lysine, which is basic and polar, with arginine, which is basic and polar, at codon 516 of the CD96 protein (p.Lys516Arg). This variant is not present in population databases (gnomAD no frequency). This variant has not been reported in the literature in individuals affected with CD96-related conditions. Invitae Evidence Modeling of protein sequence and biophysical properties (such as structural, functional, and spatial information, amino acid conservation, physicochemical variation, residue mobility, and thermodynamic stability) indicates that this missense variant is not expected to disrupt CD96 protein function with a negative predictive value of 80%. In summary, the available evidence is currently insufficient to determine the role of this variant in disease. Therefore, it has been classified as a Variant of Uncertain Significance.

Ambry Genetics
Classification: Uncertain significance. Last evaluated: 2024-03-26. Review status: criteria provided, single submitter. Criteria: Ambry Variant Classification Scheme 2023. Collection method: clinical testing. Allele origin: germline.

NM_005816.5(CD96):c.1499A>G (p.Lys500Arg)

Gene: CD96 (CD96 molecule; plus strand). Cytogenetic location: 3q13.2.
Variant type: single nucleotide variant.
Coding change: c.1499A>G on transcript NM_005816.5 (MANE Select); coding-DNA position 1499, A replaced by G.
Protein change: p.Lys500Arg; replaces lysine 500 with arginine.
Molecular consequence: missense variant. On other transcripts: non-coding transcript variant (1).
Genome position (GRCh38, 1-based): chr3:111,647,564, A>G. VCF-style: chr3-111647564-A-G. GRCh37 (hg19) VCF-style: chr3-111366411-A-G.
Other names: c.1496A>G, p.Lys499Arg (NM_001410800.1); c.1547A>G, p.Lys516Arg (NM_198196.3); short protein forms K516R, K500R, K499R.
Identifiers: ClinVar variation 3264910 (VCV003264910.3).